The following is an entry in ClinVar:

NM_001035.3(RYR2):c.3560G>T (p.Gly1187Val)

Gene: RYR2 (ryanodine receptor 2; plus strand). Cytogenetic location: 1q43.
Variant type: single nucleotide variant.
Coding change: c.3560G>T on transcript NM_001035.3 (MANE Select); coding-DNA position 3560, G replaced by T.
Protein change: p.Gly1187Val; replaces glycine 1187 with valine.
Molecular consequence: missense variant.
Genome position (GRCh38, 1-based): chr1:237,569,281, G>T. VCF-style: chr1-237569281-G-T. GRCh37 (hg19) VCF-style: chr1-237732581-G-T.
Other names: short protein forms G1187V.
Identifiers: ClinVar variation 1966003 (VCV001966003.5), dbSNP rs2546448279, ClinGen allele CA345390719.

ClinVar aggregate classification (germline): Uncertain significance (1 of 4 stars; one submission).

Conditions:
Catecholaminergic polymorphic ventricular tachycardia 1. Also called: RYR2-Related Catecholaminergic Polymorphic Ventricular Tachycardia; VENTRICULAR TACHYCARDIA, CATECHOLAMINERGIC POLYMORPHIC, 1, WITH OR WITHOUT ATRIAL DYSFUNCTION AND/OR DILATED CARDIOMYOPATHY; VENTRICULAR TACHYCARDIA, STRESS-INDUCED POLYMORPHIC 1. Identifiers: Orphanet 3286, MedGen C1631597, MONDO:0011484, OMIM 604772.

Allele frequency attached by ClinVar (database versions not stated): gnomAD exomes below 0.00001.
gnomAD v4.1: 3 of 1,613,800 alleles (0.00019%); highest among the groups gnomAD compares: Non-Finnish European, 0.00025%; no homozygotes.

Submission:

Labcorp Genetics (formerly Invitae), Labcorp
Classification: Uncertain significance for Catecholaminergic polymorphic ventricular tachycardia 1. Last evaluated: 2022-08-06. Review status: criteria provided, single submitter. Criteria: Invitae Variant Classification Sherloc (09022015). Collection method: clinical testing. Allele origin: germline.
Comment: In summary, the available evidence is currently insufficient to determine the role of this variant in disease. Therefore, it has been classified as a Variant of Uncertain Significance. Advanced modeling of protein sequence and biophysical properties (such as structural, functional, and spatial information, amino acid conservation, physicochemical variation, residue mobility, and thermodynamic stability) performed at Invitae indicates that this missense variant is expected to disrupt RYR2 protein function. This variant has not been reported in the literature in individuals affected with RYR2-related conditions. This variant is not present in population databases (gnomAD no frequency). This sequence change replaces glycine, which is neutral and non-polar, with valine, which is neutral and non-polar, at codon 1187 of the RYR2 protein (p.Gly1187Val).